The following is an entry in ClinVar:

NM_001127511.3(APC):c.-131_-130insC

Gene: APC (APC regulator of Wnt signaling pathway; plus strand). Cytogenetic location: 5q22.2.
Variant type: Insertion.
Coding change: c.-131_-130insC on transcript NM_001127511.3; 131 bases upstream of the start codon through 130 bases upstream of the start codon, C inserted.
Molecular consequence: 5 prime UTR variant. On other transcripts: non-coding transcript variant (2).
Genome position: GRCh38 VCF-style: chr5-112707587-G-GC. GRCh37 (hg19) VCF-style: chr5-112043284-G-GC.
Other names: c.-314_-313insC (NM_001354895.2, NM_001407447.1, NM_001407452.1 and 3 more transcripts); c.-131_-130insC (NM_001354897.2, NM_001354902.2, NM_001407446.1); c.-81_-80insC (NM_001407448.1, NM_001407450.1, NM_001407457.1 and 1 more transcripts); c.-105_-104insC (NM_001407453.1); c.-1349_-1348insC (NM_001407470.1, NM_001407472.1).
Identifiers: ClinVar variation 1054676 (VCV001054676.9), dbSNP rs1750583446, ClinGen allele CA1573442494.
Genomic context (GRCh38, chr5:112,707,587, plus strand): 5'-TGGCGGAGGGCAAGTAGCAAGGGGGCGGGGTGTGGCCGCCGGAAGCCTAGCCGCTGCTCG[G>GC]GGGGGACCTGCGGGCTCAGGCCCGGGAGCTGCGGACCGAGGTTGGCTCGATGCTGTTCCC-3'

ClinVar aggregate classification (germline): Uncertain significance (1 of 4 stars; one submission).

Conditions:
Familial adenomatous polyposis 1 (FAP1). Also called: FAMILIAL ADENOMATOUS POLYPOSIS 1, ATTENUATED; POLYPOSIS, ADENOMATOUS INTESTINAL. Identifiers: MedGen C2713442, MONDO:0021056, OMIM 175100. Disease mechanism: loss of function.

Allele frequency attached by ClinVar (database versions not stated): TOPMed below 0.00001.

Submission:

Labcorp Genetics (formerly Invitae), Labcorp
Classification: Uncertain significance for Familial adenomatous polyposis 1. Last evaluated: 2022-09-21. Review status: criteria provided, single submitter. Criteria: Invitae Variant Classification Sherloc (09022015). Collection method: clinical testing. Allele origin: germline.
Comment: This variant occurs in a non-coding region of the APC gene. It does not change the encoded amino acid sequence of the APC protein. This variant is not present in population databases (gnomAD no frequency). This variant has not been reported in the literature in individuals affected with APC-related conditions. Experimental studies and prediction algorithms are not available or were not evaluated, and the functional significance of this variant is currently unknown. In summary, the available evidence is currently insufficient to determine the role of this variant in disease. Therefore, it has been classified as a Variant of Uncertain Significance.